The following is an entry in ClinVar:

NM_024675.4(PALB2):c.2514+3A>G

Gene: PALB2 (partner and localizer of BRCA2; minus strand). Cytogenetic location: 16p12.2.
Variant type: single nucleotide variant.
Coding change: c.2514+3A>G on transcript NM_024675.4 (MANE Select); 3 bases into the intron after coding-DNA position 2514, A replaced by G.
Molecular consequence: intron variant.
Genome position (GRCh38, 1-based): chr16:23,629,637, T>C on the plus strand (A>G on the coding strand, the complement: PALB2 is on the minus strand). VCF-style: chr16-23629637-T-C. GRCh37 (hg19) VCF-style: chr16-23640958-T-C.
Identifiers: ClinVar variation 126655 (VCV000126655.27), dbSNP rs515726088, ClinGen allele CA269537.

ClinVar aggregate classification (germline): Conflicting classifications of pathogenicity. Review status: criteria provided, conflicting classifications (1 of 4 stars). 9 submissions from 9 submitters: Uncertain significance (6); Likely benign (2). 1 of the submissions does not count toward it. Last evaluated 2025-09-22.

Conditions:
Breast and/or ovarian cancer. Identifiers: MedGen CN221562.
Familial pancreatic carcinoma. Identifiers: Orphanet 1333, MedGen C2931038, MONDO:0015278, OMIM 260350.
Pancreatic cancer, susceptibility to, 3. Identifiers: Orphanet 1333, MedGen C3150547, MONDO:0013236, OMIM 613348.
Fanconi anemia complementation group N. Also called: PALB2-Related Fanconi Anemia. Identifiers: Orphanet 84, MedGen C1835817, MONDO:0012565, OMIM 610832. Disease mechanism: loss of function.
Breast-ovarian cancer, familial, susceptibility to, 5 (BROVCA5). Identifiers: MedGen C5830615, MONDO:0957530, OMIM 620442.
Hereditary cancer-predisposing syndrome. Also called: Tumor predisposition; Hereditary Cancer Syndrome; Neoplastic Syndromes, Hereditary; Hereditary neoplastic syndrome. Identifiers: Orphanet 140162, MedGen C0027672, MeSH D009386, MONDO:0015356.
Familial cancer of breast. Also called: BREAST CANCER, FAMILIAL; Hereditary breast cancer; hereditary breast carcinoma. Identifiers: Orphanet 227535, MedGen C0346153, MONDO:0016419, OMIM 114480. Disease mechanism: loss of function.

Allele frequency attached by ClinVar (database versions not stated): gnomAD 0.00001; gnomAD exomes 0.00001; TOPMed 0.00001; ExAC 0.00002.
gnomAD v4.1: 4 of 1,613,404 alleles (0.00025%); highest among the groups gnomAD compares: Admixed American, 0.005%; no homozygotes.

Submissions (9):

Labcorp Genetics (formerly Invitae), Labcorp
Classification: Likely benign for Familial cancer of breast. Last evaluated: 2025-09-22. Review status: criteria provided, single submitter. Criteria: Invitae Variant Classification Sherloc (09022015). Collection method: clinical testing. Allele origin: germline.

Fulgent Genetics
Classification: Uncertain significance for Fanconi anemia complementation group N; Pancreatic cancer, susceptibility to, 3; Breast-ovarian cancer, familial, susceptibility to, 5. Last evaluated: 2023-12-22. Review status: criteria provided, single submitter. Criteria: ACMG Guidelines, 2015. Collection method: clinical testing. Allele origin: germline.

GeneDx
Classification: Uncertain significance. Last evaluated: 2023-12-20. Review status: criteria provided, single submitter. Criteria: GeneDx Variant Classification Process June 2021. Collection method: clinical testing. Allele origin: germline. Affected: yes.
Comment: Not observed at significant frequency in large population cohorts (gnomAD); In silico analysis is inconclusive as to whether the variant alters gene splicing. In the absence of RNA/functional studies, the actual effect of this sequence change is unknown; This variant is associated with the following publications: (PMID: 22692731, 25186627, 35610400)

Ambry Genetics
Classification: Likely benign for Hereditary cancer-predisposing syndrome. Last evaluated: 2023-11-16. Review status: criteria provided, single submitter. Criteria: Ambry Variant Classification Scheme 2023. Collection method: clinical testing. Allele origin: germline.

Baylor Genetics
Classification: Uncertain significance for Familial cancer of breast. Last evaluated: 2022-12-19. Review status: criteria provided, single submitter. Criteria: ACMG Guidelines, 2015. Collection method: clinical testing. Allele origin: unknown.

Color Diagnostics, LLC DBA Color Health
Classification: Uncertain significance for Hereditary cancer-predisposing syndrome. Last evaluated: 2022-09-19. Review status: criteria provided, single submitter. Criteria: ACMG Guidelines, 2015. Collection method: clinical testing. Allele origin: germline.
Comment: This variant causes an A to G nucleotide substitution at the +3 position of intron 5 of the PALB2 gene. Splice site prediction tools predict that this variant may have a significant impact on RNA splicing. Although this prediction has not been confirmed in published RNA studies, this variant is expected to result in an absent or disrupted protein product. To our knowledge, functional studies have not been reported for this variant. This variant has been reported in individuals affected with breast/ovarian cancer (PMID: 22692731, 25186627). This variant has been identified in 2/250064 chromosomes in the general population by the Genome Aggregation Database (gnomAD). The available evidence is insufficient to determine the role of this variant in disease conclusively. Therefore, this variant is classified as a Variant of Uncertain Significance.

CHEO Genetics Diagnostic Laboratory, Children's Hospital of Eastern Ontario
Classification: Uncertain significance for Breast and/or ovarian cancer. Last evaluated: 2021-06-04. Review status: criteria provided, single submitter. Criteria: ACMG Guidelines, 2015. Collection method: clinical testing. Allele origin: germline.

Department of Pathology and Laboratory Medicine, Sinai Health System
Classification: Uncertain significance for Familial pancreatic carcinoma. Last evaluated: 2020-02-25. Review status: criteria provided, single submitter. Criteria: ACMG Guidelines, 2015. Collection method: clinical testing. Allele origin: germline. Affected: yes.

Leiden Open Variation Database
Classification: Uncertain significance for Familial cancer of breast. Last evaluated: 2019-05-13. Review status: no assertion criteria provided. Collection method: curation. Allele origin: germline. Affected: yes. Not counted in ClinVar's aggregate classification.
Comment: Curators: Marc Tischkowitz, Arleen D. Auerbach. Submitter to LOVD: Marc Tischkowitz.

Literature cited by the submitters: PubMed 22692731 (cited by 4 submitters); PubMed 25186627 (cited by 4 submitters).